The following is an entry in ClinVar:

NM_021020.5(LZTS1):c.555_556del (p.His185fs)

Gene: LZTS1 (leucine zipper tumor suppressor 1; minus strand). Cytogenetic location: 8p21.3.
Variant type: Microsatellite.
Coding change: c.555_556del on transcript NM_021020.5 (MANE Select); coding-DNA positions 555 to 556, 2 bases deleted (CA; older notation c.555_556delCA).
Protein change: p.His185fs; shifts the reading frame from histidine 185.
Molecular consequence: frameshift variant.
Genome position (GRCh38, 1-based): chr8:20,253,375-20,253,376, TG deleted on the plus strand (CA on the coding strand, the reverse complement: LZTS1 is on the minus strand); deleting any 2 consecutive bases within chr8:20,253,375-20,253,382 gives the same sequence; the c. name uses the placement nearest the transcript's 3' end. VCF-style (leftmost placement, unchanged base first): chr8-20253374-CTG-C. GRCh37 (hg19) VCF-style: chr8-20110885-CTG-C.
Other names: c.555_556del, p.His185fs (NM_001362884.2); short protein forms H185fs.
Identifiers: ClinVar variation 2095152 (VCV002095152.4), dbSNP rs1325382794, ClinGen allele CA580946031.
Genomic context (GRCh38, chr8:20,253,374, plus strand): 5'-AAACGGCTTGTGGGTCCCACGGGTGTGACCAGCGGGTCCAGCTGGTAGCTGCTGCTGGTG[CTG>C]TGTGTGGGCAGGCTGGACATGGAGTTCCGGCCGGAGTCTGACAGCGCCCCAGAGCACAGG-3'

ClinVar aggregate classification (germline): Uncertain significance (1 of 4 stars; one submission).

Submission:

Labcorp Genetics (formerly Invitae), Labcorp
Classification: Uncertain significance. Last evaluated: 2022-02-19. Review status: criteria provided, single submitter. Criteria: Invitae Variant Classification Sherloc (09022015). Collection method: clinical testing. Allele origin: germline.
Comment: In summary, the available evidence is currently insufficient to determine the role of this variant in disease. Therefore, it has been classified as a Variant of Uncertain Significance. This variant has not been reported in the literature in individuals affected with LZTS1-related conditions. This variant is present in population databases (no rsID available, gnomAD 0.003%). This sequence change creates a premature translational stop signal (p.His185Glnfs*52) in the LZTS1 gene. It is expected to result in an absent or disrupted protein product. However, the current clinical and genetic evidence is not sufficient to establish whether loss-of-function variants in LZTS1 cause disease.